The following is an entry in ClinVar:

ClinVar aggregate classification (germline): Uncertain significance (1 of 4 stars; one submission).

Conditions:
Paroxysmal nonkinesigenic dyskinesia. Also called: Paroxysmal non-kinesigenic dyskinesia. Identifiers: Orphanet 98810, MedGen C1869117, MONDO:0700088.

Submission:

Labcorp Genetics (formerly Invitae), Labcorp
Classification: Uncertain significance for Paroxysmal nonkinesigenic dyskinesia. Last evaluated: 2022-05-14. Review status: criteria provided, single submitter. Criteria: Invitae Variant Classification Sherloc (09022015). Collection method: clinical testing. Allele origin: germline.
Comment: In summary, the available evidence is currently insufficient to determine the role of this variant in disease. Therefore, it has been classified as a Variant of Uncertain Significance. Experimental studies and prediction algorithms are not available or were not evaluated, and the functional significance of this variant is currently unknown. This variant has not been reported in the literature in individuals affected with PNKD-related conditions. This variant is not present in population databases (gnomAD no frequency). This sequence change creates a premature translational stop signal (p.Phe342Valfs*23) in the PNKD gene. While this is not anticipated to result in nonsense mediated decay, it is expected to disrupt the last 44 amino acid(s) of the PNKD protein.

NM_015488.5(PNKD):c.1022dup (p.Phe342fs)

Genes: CATIP-AS2 (CATIP antisense RNA 2; minus strand), PNKD (PNKD metallo-beta-lactamase domain containing; plus strand). Cytogenetic location: 2q35.
Variant type: Duplication.
Coding change: c.1022dup on transcript NM_015488.5 (MANE Select); coding-DNA position 1022, one base duplicated (C; older notation c.1022dupC).
Protein change: p.Phe342fs; shifts the reading frame from phenylalanine 342.
Molecular consequence: frameshift variant.
Genome position (GRCh38, 1-based): chr2:218,344,845, C duplicated; the last of 3 consecutive C bases (chr2:218,344,843-218,344,845); duplicating any one gives the same sequence. VCF-style (leftmost placement, unchanged base first): chr2-218344842-A-AC. GRCh37 (hg19) VCF-style: chr2-219209565-A-AC.
Other names: c.950dup, p.Phe318Valfs (NM_022572.5); short protein forms F318fs, F342fs.
Identifiers: ClinVar variation 2195775 (VCV002195775.4), dbSNP rs2469474484, ClinGen allele CA431220402.
Genomic context (GRCh38, chr2:218,344,842, plus strand): 5'-CCAAACCTGGTTCCTCTCACCCACAGTGCCCATCTACCCTGGGAGAGGAGCGCTCCTACA[A>AC]CCCGTTCCTGAGAACCCACTGCCTGGCGCTACAGGAGGCTCTGGGGCCGGGGCCGGGCCC-3'